The following is an entry in ClinVar:

NM_003611.3(OFD1):c.19A>T (p.Met7Leu)

Genes: OFD1 (OFD1 centriole and centriolar satellite protein; plus strand), LOC126863212 (CDK7 strongly-dependent group 2 enhancer GRCh37_chrX:13752241-13753440; plus strand). Cytogenetic location: Xp22.2.
Variant type: single nucleotide variant.
Coding change: c.19A>T on transcript NM_003611.3 (MANE Select); coding-DNA position 19, A replaced by T.
Protein change: p.Met7Leu; replaces methionine 7 with leucine.
Molecular consequence: missense variant. On other transcripts: 5 prime UTR variant (1).
Genome position (GRCh38, 1-based): chrX:13,735,254, A>T. VCF-style: chrX-13735254-A-T. GRCh37 (hg19) VCF-style: chrX-13753373-A-T.
Other names: c.19A>T, p.Met7Leu (NM_001330209.2); c.-527A>T (NM_001330210.2); short protein forms M7L.
Identifiers: ClinVar variation 3756462 (VCV003756462.2).

ClinVar aggregate classification (germline): Uncertain significance (1 of 4 stars; one submission).

Conditions:
Joubert syndrome. Also called: CEREBELLOPARENCHYMAL DISORDER IV; JOUBERT-BOLTSHAUSER SYNDROME; Familial aplasia of the vermis. Identifiers: Orphanet 475, MedGen C5979921, MONDO:0018772.
Orofaciodigital syndrome I (OFD1). Also called: OFDS I; Papillon-Leage and Psaume Syndrome; Oral-Facial-Digital Syndrome Type I. Identifiers: Orphanet 2750, MedGen C1510460, MONDO:0010702, OMIM 311200.

Submission:

Labcorp Genetics (formerly Invitae), Labcorp
Classification: Uncertain significance for Orofaciodigital syndrome I; Joubert syndrome. Last evaluated: 2024-05-21. Review status: criteria provided, single submitter. Criteria: Invitae Variant Classification Sherloc (09022015). Collection method: clinical testing. Allele origin: germline.
Comment: This sequence change replaces methionine, which is neutral and non-polar, with leucine, which is neutral and non-polar, at codon 7 of the OFD1 protein (p.Met7Leu). This variant is not present in population databases (gnomAD no frequency). This variant has not been reported in the literature in individuals affected with OFD1-related conditions. An algorithm developed to predict the effect of missense changes on protein structure and function (PolyPhen-2) suggests that this variant is likely to be tolerated. In summary, the available evidence is currently insufficient to determine the role of this variant in disease. Therefore, it has been classified as a Variant of Uncertain Significance.